The following is an entry in ClinVar:

NM_006361.6(HOXB13):c.612del (p.Gln205fs)

Gene: HOXB13 (homeobox B13; minus strand). Cytogenetic location: 17q21.32.
Variant type: Deletion.
Coding change: c.612del on transcript NM_006361.6 (MANE Select); coding-DNA position 612, one base deleted (G; older notation c.612delG).
Protein change: p.Gln205fs; shifts the reading frame from glutamine 205.
Molecular consequence: frameshift variant.
Genome position (GRCh38, 1-based): chr17:48,727,033, C deleted on the plus strand (G on the coding strand, the reverse complement: HOXB13 is on the minus strand); the first of 3 consecutive C bases (chr17:48,727,033-48,727,035); deleting any one gives the same sequence. VCF-style (leftmost placement, unchanged base first): chr17-48727032-GC-G. GRCh37 (hg19) VCF-style: chr17-46804394-GC-G.
Other names: short protein forms Q205fs.
Identifiers: ClinVar variation 2057236 (VCV002057236.4), dbSNP rs1597933040, ClinGen allele CA2580094109.
Genomic context (GRCh38, chr17:48,727,032, plus strand): 5'-TGCTGTACGGAATGCGTTTCTTGCGGCCGCGACGAAAGGCGCAGGCGTCAGGAGGGTGCT[GC>G]CCGCTGGAGTCTGCGCGGCGTGAAAGGGAGGGAGGAAAAGGCATGGTCAGATACCCACCC-3'

ClinVar aggregate classification (germline): Uncertain significance (1 of 4 stars; one submission).

Submission:

Labcorp Genetics (formerly Invitae), Labcorp
Classification: Uncertain significance. Last evaluated: 2023-03-29. Review status: criteria provided, single submitter. Criteria: Invitae Variant Classification Sherloc (09022015). Collection method: clinical testing. Allele origin: germline.
Comment: In summary, the available evidence is currently insufficient to determine the role of this variant in disease. Therefore, it has been classified as a Variant of Uncertain Significance. Experimental studies and prediction algorithms are not available or were not evaluated, and the functional significance of this variant is currently unknown. ClinVar contains an entry for this variant (Variation ID: 2057236). This variant has not been reported in the literature in individuals affected with HOXB13-related conditions. This variant is not present in population databases (gnomAD no frequency). This sequence change creates a premature translational stop signal (p.Gln205Serfs*74) in the HOXB13 gene. While this is not anticipated to result in nonsense mediated decay, it is expected to disrupt the last 80 amino acid(s) of the HOXB13 protein.